The following is an entry in ClinVar:

ClinVar aggregate classification (germline): Conflicting classifications of pathogenicity. Review status: criteria provided, conflicting classifications (1 of 4 stars). 3 submissions from 3 submitters: Uncertain significance (2); Likely benign (1). Last evaluated 2023-08-21.

Conditions:
Inborn genetic diseases. Identifiers: MedGen C0950123, MeSH D030342.
Bethlem myopathy 1A. Also called: MYOPATHY, BENIGN CONGENITAL, WITH CONTRACTURES; Bethlem Muscular Dystrophy; Bethlem myopathy 1. Identifiers: Orphanet 610, MedGen CN029274, MONDO:0024530, OMIM 158810.

Allele frequency attached by ClinVar (database versions not stated): gnomAD exomes 0.00001 and 0.00004; TOPMed 0.00001; ExAC 0.00003.
gnomAD v4.1: 17 of 1,614,190 alleles (0.0011%); highest among the groups gnomAD compares: Admixed American, 0.013%; no homozygotes.

Submissions (3):

Ambry Genetics
Classification: Uncertain significance for Inborn genetic diseases. Last evaluated: 2023-08-21. Review status: criteria provided, single submitter. Criteria: Ambry Variant Classification Scheme 2023. Collection method: clinical testing. Allele origin: germline.

Labcorp Genetics (formerly Invitae), Labcorp
Classification: Likely benign for Bethlem myopathy 1A. Last evaluated: 2022-11-09. Review status: criteria provided, single submitter. Criteria: Invitae Variant Classification Sherloc (09022015). Collection method: clinical testing. Allele origin: germline.

Laboratorio de Genetica e Diagnostico Molecular, Hospital Israelita Albert Einstein
Classification: Uncertain significance. Last evaluated: 2022-01-13. Review status: criteria provided, single submitter. Criteria: ACMG Guidelines, 2015. Collection method: clinical testing. Allele origin: germline. Affected: yes.
Comment: ACMG classification criteria: PM2

NM_004369.4(COL6A3):c.8317G>A (p.Gly2773Ser)

Gene: COL6A3 (collagen type VI alpha 3 chain; minus strand). Cytogenetic location: 2q37.3.
Variant type: single nucleotide variant.
Coding change: c.8317G>A on transcript NM_004369.4 (MANE Select); coding-DNA position 8317, G replaced by A.
Protein change: p.Gly2773Ser; replaces glycine 2773 with serine.
Molecular consequence: missense variant.
Genome position (GRCh38, 1-based): chr2:237,340,599, C>T on the plus strand (G>A on the coding strand, the complement: COL6A3 is on the minus strand). VCF-style: chr2-237340599-C-T. GRCh37 (hg19) VCF-style: chr2-238249242-C-T.
Other names: c.6496G>A, p.Gly2166Ser (NM_057166.5); c.7699G>A, p.Gly2567Ser (NM_057167.4); c.8317G>A (NM_004369.3); short protein forms G2567S, G2773S, G2166S.
Identifiers: ClinVar variation 1363424 (VCV001363424.10), dbSNP rs756294311, ClinGen allele CA2187576.